The following is an entry in ClinVar:

ClinVar aggregate classification (germline): Likely benign (0 of 4 stars; one submission).

Conditions:
GJA8-related disorder. Also called: GJA8-related condition.

Allele frequency attached by ClinVar (database versions not stated): gnomAD 0.00001; TOPMed 0.00001; ExAC 0.00003; gnomAD exomes 0.00003.
gnomAD v4.1: 41 of 1,600,282 alleles (0.0026%); highest among the groups gnomAD compares: Middle Eastern, 0.017%; no homozygotes.

Submission:

PreventionGenetics, part of Exact Sciences
Classification: Likely benign for GJA8-related condition. Last evaluated: 2019-03-06. Review status: no assertion criteria provided. Collection method: clinical testing. Allele origin: germline.
Comment: This variant is classified as likely benign based on ACMG/AMP sequence variant interpretation guidelines (Richards et al. 2015 PMID: 25741868, with internal and published modifications).

NM_005267.5(GJA8):c.1095C>T (p.Ala365=)

Gene: GJA8 (gap junction protein alpha 8; plus strand). Cytogenetic location: 1q21.2.
Variant type: single nucleotide variant.
Coding change: c.1095C>T on transcript NM_005267.5 (MANE Select); coding-DNA position 1095, C replaced by T.
Protein change: p.Ala365=; no amino-acid change (alanine 365 retained).
Molecular consequence: synonymous variant.
Genome position (GRCh38, 1-based): chr1:147,909,050, C>T. VCF-style: chr1-147909050-C-T. GRCh37 (hg19) VCF-style: chr1-147381177-C-T.
Identifiers: ClinVar variation 3058836 (VCV003058836.2), dbSNP rs782039098, ClinGen allele CA1066081.
Genomic context (GRCh38, chr1:147,909,050, plus strand): 5'-GGTGGGAGAGAAGAAGGAGGAAGCAGAGAGGCTGACCACGGAGGAGCAGGAGAAGGTGGC[C>T]GTGCCAGAGGGGGAGAAAGTAGAGACCCCCGGAGTGGATAAGGAGGGTGAAAAAGAAGAG-3'
Protein context (NP_005258.2, residues 355-375): RLTTEEQEKV[Ala365=]VPEGEKVETP